The following is an entry in ClinVar:

NM_003097.6(SNRPN):c.676G>C (p.Gly226Arg)

Genes: SNRPN (small nuclear ribonucleoprotein polypeptide N; plus strand), SNURF (SNRPN upstream open reading frame; plus strand), SNHG14 (small nucleolar RNA host gene 14; plus strand). Cytogenetic location: 15q11.2.
Variant type: single nucleotide variant.
Coding change: c.676G>C on transcript NM_003097.6 (MANE Select); coding-DNA position 676, G replaced by C.
Protein change: p.Gly226Arg; replaces glycine 226 with arginine.
Molecular consequence: missense variant. On other transcripts: non-coding transcript variant (1), 3 prime UTR variant (1).
Genome position (GRCh38, 1-based): chr15:24,978,309, G>C. VCF-style: chr15-24978309-G-C. GRCh37 (hg19) VCF-style: chr15-25223456-G-C.
Other names: c.676G>C, p.Gly226Arg (NM_001349454.2, NM_001349455.2, NM_001349456.2 and 99 more transcripts); c.652G>C, p.Gly218Arg (NM_001400767.1, NM_001378256.1, NM_001378257.1); c.412G>C, p.Gly138Arg (NM_001400768.1); c.*864G>C (NM_005678.5); c.688G>C, p.Gly230Arg (NM_001378251.1, NM_001378252.1, NM_001378253.1 and 2 more transcripts); short protein forms G218R, G226R, G230R, G138R.
Identifiers: ClinVar variation 1300478 (VCV001300478.4), dbSNP rs2153722097, ClinGen allele CA391342272.

ClinVar aggregate classification (germline): Uncertain significance (1 of 4 stars; one submission).

Submission:

GeneDx
Classification: Uncertain significance. Last evaluated: 2019-04-19. Review status: criteria provided, single submitter. Criteria: GeneDx Variant Classification Process June 2021. Collection method: clinical testing. Allele origin: germline. Affected: yes.
Comment: Not observed in large population cohorts (Lek et al., 2016); In silico analysis, which includes protein predictors and evolutionary conservation, supports a deleterious effect; Has not been previously published as pathogenic or benign to our knowledge